The following is an entry in ClinVar:

ClinVar aggregate classification (germline): Uncertain significance (1 of 4 stars; one submission).

Conditions:
Succinate-semialdehyde dehydrogenase deficiency (SSADHD). Also called: 4-HYDROXYBUTYRIC ACIDURIA; GABA METABOLIC DEFECT; SSADH DEFICIENCY; Succinic Semialdehyde Dehydrogenase Deficiency. Identifiers: Orphanet 22, MedGen C0268631, MONDO:0010083, OMIM 271980.

Allele frequency attached by ClinVar (database versions not stated): gnomAD 0.00001; gnomAD exomes 0.00001; ExAC 0.00002; TOPMed 0.00004.
gnomAD v4.1: 13 of 1,318,440 alleles (0.00099%); highest among the groups gnomAD compares: Admixed American, 0.0062%; no homozygotes.

Submission:

Labcorp Genetics (formerly Invitae), Labcorp
Classification: Uncertain significance for Succinate-semialdehyde dehydrogenase deficiency. Last evaluated: 2022-10-24. Review status: criteria provided, single submitter. Criteria: Invitae Variant Classification Sherloc (09022015). Collection method: clinical testing. Allele origin: germline.
Comment: This sequence change replaces alanine, which is neutral and non-polar, with valine, which is neutral and non-polar, at codon 2 of the ALDH5A1 protein (p.Ala2Val). The frequency data for this variant in the population databases is considered unreliable, as metrics indicate poor data quality at this position in the gnomAD database. This variant has not been reported in the literature in individuals affected with ALDH5A1-related conditions. Advanced modeling of protein sequence and biophysical properties (such as structural, functional, and spatial information, amino acid conservation, physicochemical variation, residue mobility, and thermodynamic stability) performed at Invitae indicates that this missense variant is not expected to disrupt ALDH5A1 protein function. In summary, the available evidence is currently insufficient to determine the role of this variant in disease. Therefore, it has been classified as a Variant of Uncertain Significance.

NM_001080.3(ALDH5A1):c.5C>T (p.Ala2Val)

Genes: ALDH5A1 (aldehyde dehydrogenase 5 family member A1; plus strand), GPLD1 (glycosylphosphatidylinositol specific phospholipase D1; minus strand), LOC129995978 (ATAC-STARR-seq lymphoblastoid silent region 16989; plus strand). Cytogenetic location: 6p22.3.
Variant type: single nucleotide variant.
Coding change: c.5C>T on transcript NM_001080.3 (MANE Select); coding-DNA position 5, C replaced by T.
Protein change: p.Ala2Val; replaces alanine 2 with valine.
Molecular consequence: missense variant.
Genome position (GRCh38, 1-based): chr6:24,495,001, C>T. VCF-style: chr6-24495001-C-T. GRCh37 (hg19) VCF-style: chr6-24495229-C-T.
Other names: c.5C>T, p.Ala2Val (NM_001368954.1, NM_170740.1); short protein forms A2V.
Identifiers: ClinVar variation 2161688 (VCV002161688.1), dbSNP rs780751641, ClinGen allele CA3656547.
Genomic context (GRCh38, chr6:24,495,001, plus strand): 5'-GTTCCCGTGCGCGCGCGCCCGCTTGCCTGTTTCCTGTCGCCGTCGTTGCCCGGGCCATGG[C>T]GACCTGCATTTGGCTGCGGAGCTGTGGGGCCCGGCGCCTCGGGTCGACGTTTCCAGGCTG-3'
Protein context (NP_001071.1, residues 1-12): M[Ala2Val]TCIWLRSCGA